The following is an entry in ClinVar:

NM_001164508.2(NEB):c.8646C>T (p.Asp2882=)

Gene: NEB (nebulin; minus strand). Cytogenetic location: 2q23.3.
Variant type: single nucleotide variant.
Coding change: c.8646C>T on transcript NM_001164508.2 (MANE Select); coding-DNA position 8646, C replaced by T.
Protein change: p.Asp2882=; no amino-acid change (aspartic acid 2882 retained).
Molecular consequence: synonymous variant.
Genome position (GRCh38, 1-based): chr2:151,640,394, G>A on the plus strand (C>T on the coding strand, the complement: NEB is on the minus strand). VCF-style: chr2-151640394-G-A. GRCh37 (hg19) VCF-style: chr2-152496908-G-A.
Other names: p.Asp2882=; c.8646C>T, p.Asp2882= (NM_001164507.2, NM_001271208.2, NM_004543.5).
Identifiers: ClinVar variation 257834 (VCV000257834.20), dbSNP rs61730773, ClinGen allele CA1909540.

ClinVar aggregate classification (germline): Benign. Review status: criteria provided, multiple submitters, no conflicts (2 of 4 stars). 7 submissions from 7 submitters: Benign (6). 1 of the submissions does not count toward it. Last evaluated 2026-02-04.

Conditions:
Nemaline myopathy 2 (NEM2). Also called: Nemaline myopathy 2, autosomal recessive. Identifiers: MedGen C1850569, MONDO:0009725, OMIM 256030.

Allele frequency attached by ClinVar (database versions not stated): gnomAD exomes 0.00098 and 0.00246; ExAC 0.00299; ESP Exome Variant Server 0.01030; gnomAD 0.01069 and 0.01142; 1000 Genomes Project 0.01098; 1000 Genomes Project 30x 0.01171; TOPMed 0.01192.
gnomAD v4.1: 3,101 of 1,613,930 alleles (0.19%); highest among the groups gnomAD compares: African/African-American, 3.6%; 50 homozygotes.

Submissions (7):

Labcorp Genetics (formerly Invitae), Labcorp
Classification: Benign for Nemaline myopathy 2. Last evaluated: 2026-02-04. Review status: criteria provided, single submitter. Criteria: Invitae Variant Classification Sherloc (09022015). Collection method: clinical testing. Allele origin: germline.

Mayo Clinic Laboratories, Mayo Clinic
Classification: Benign. Last evaluated: 2021-07-27. Review status: criteria provided, single submitter. Criteria: ACMG Guidelines, 2015. Collection method: clinical testing. Allele origin: germline. Observed: 4 variant alleles.
Comment: BS1, BS2, BP4, BP7

Illumina Laboratory Services, Illumina
Classification: Benign for Nemaline myopathy 2. Last evaluated: 2018-01-13. Review status: criteria provided, single submitter. Criteria: ICSL Variant Classification Criteria 13 December 2019. Collection method: clinical testing. Allele origin: germline.
Comment: This variant was observed in the ICSL laboratory as part of a predisposition screen in an ostensibly healthy population. It had not been previously curated by ICSL or reported in the Human Gene Mutation Database (HGMD: prior to June 1st, 2018), and was therefore a candidate for classification through an automated scoring system. Utilizing variant allele frequency, disease prevalence and penetrance estimates, and inheritance mode, an automated score was calculated to assess if this variant is too frequent to cause the disease. Based on the score and internal cut-off values, a variant classified as benign is not then subjected to further curation. The score for this variant resulted in a classification of benign for this disease.

GeneDx
Classification: Benign. Last evaluated: 2016-08-02. Review status: criteria provided, single submitter. Criteria: GeneDx Variant Classification (06012015). Collection method: clinical testing. Allele origin: germline. Affected: yes.
Comment: This variant is considered likely benign or benign based on one or more of the following criteria: it is a conservative change, it occurs at a poorly conserved position in the protein, it is predicted to be benign by multiple in silico algorithms, and/or has population frequency not consistent with disease.

Breakthrough Genomics
Classification: Benign. Review status: criteria provided, single submitter. Criteria: ACMG Guidelines, 2015. Collection method: not provided. Allele origin: germline. Inheritance: Autosomal recessive inheritance. Affected: yes.

PreventionGenetics, part of Exact Sciences
Classification: Benign. Review status: criteria provided, single submitter. Criteria: ACMG Guidelines, 2015. Collection method: clinical testing. Allele origin: germline.

Natera, Inc.
Classification: Benign for Nemaline myopathy type 2. Last evaluated: 2020-09-16. Review status: no assertion criteria provided. Collection method: clinical testing. Allele origin: germline. Not counted in ClinVar's aggregate classification.